The following is an entry in ClinVar:

ClinVar aggregate classification (germline): Uncertain significance. Review status: criteria provided, multiple submitters, no conflicts (2 of 4 stars). 3 submissions from 3 submitters: Uncertain significance (3). Last evaluated 2025-01-30.

Conditions:
Inborn genetic diseases. Identifiers: MedGen C0950123, MeSH D030342.

Allele frequency attached by ClinVar (database versions not stated): TOPMed below 0.00001; gnomAD exomes 0.00001.
gnomAD v4.1: 4 of 1,613,924 alleles (0.00025%); highest among the groups gnomAD compares: Non-Finnish European, 0.00034%; no homozygotes.

Submissions (3):

Ambry Genetics
Classification: Uncertain significance for Inborn genetic diseases. Last evaluated: 2025-01-30. Review status: criteria provided, single submitter. Criteria: Ambry Variant Classification Scheme 2023. Collection method: clinical testing. Allele origin: germline.
Comment: The p.K175T variant (also known as c.524A>C), located in coding exon 3 of the ANKRD26 gene, results from an A to C substitution at nucleotide position 524. The lysine at codon 175 is replaced by threonine, an amino acid with similar properties. This amino acid position is conserved. In addition, this alteration is predicted to be tolerated by in silico analysis. Based on the available evidence, the clinical significance of this variant remains unclear.

Labcorp Genetics (formerly Invitae), Labcorp
Classification: Uncertain significance. Last evaluated: 2024-08-13. Review status: criteria provided, single submitter. Criteria: Invitae Variant Classification Sherloc (09022015). Collection method: clinical testing. Allele origin: germline.
Comment: This sequence change replaces lysine, which is basic and polar, with threonine, which is neutral and polar, at codon 175 of the ANKRD26 protein (p.Lys175Thr). This variant is present in population databases (no rsID available, gnomAD 0.0009%). This variant has not been reported in the literature in individuals affected with ANKRD26-related conditions. ClinVar contains an entry for this variant (Variation ID: 2442785). An algorithm developed to predict the effect of missense changes on protein structure and function (PolyPhen-2) suggests that this variant is likely to be tolerated. In summary, the available evidence is currently insufficient to determine the role of this variant in disease. Therefore, it has been classified as a Variant of Uncertain Significance.

GeneDx
Classification: Uncertain significance. Last evaluated: 2024-05-14. Review status: criteria provided, single submitter. Criteria: GeneDx Variant Classification Process June 2021. Collection method: clinical testing. Allele origin: germline. Affected: yes.
Comment: Not observed at significant frequency in large population cohorts (gnomAD); In silico analysis supports that this missense variant has a deleterious effect on protein structure/function; Has not been previously published as pathogenic or benign to our knowledge

NM_014915.3(ANKRD26):c.524A>C (p.Lys175Thr)

Gene: ANKRD26 (ankyrin repeat domain 26; minus strand). Cytogenetic location: 10p12.1.
Variant type: single nucleotide variant.
Coding change: c.524A>C on transcript NM_014915.3 (MANE Select); coding-DNA position 524, A replaced by C.
Protein change: p.Lys175Thr; replaces lysine 175 with threonine.
Molecular consequence: missense variant.
Genome position (GRCh38, 1-based): chr10:27,093,356, T>G on the plus strand (A>C on the coding strand, the complement: ANKRD26 is on the minus strand). VCF-style: chr10-27093356-T-G. GRCh37 (hg19) VCF-style: chr10-27382285-T-G.
Other names: c.524A>C, p.Lys175Thr (NM_001256053.2); short protein forms K175T.
Identifiers: ClinVar variation 2442785 (VCV002442785.7), dbSNP rs1242776185, ClinGen allele CA376367558.